The following is an entry in ClinVar:

ClinVar aggregate classification (germline): Uncertain significance (1 of 4 stars; one submission).

Allele frequency attached by ClinVar (database versions not stated): gnomAD exomes 0.00002; ExAC 0.00003; gnomAD 0.00005; TOPMed 0.00005; ESP Exome Variant Server 0.00016.

Submission:

Labcorp Genetics (formerly Invitae), Labcorp
Classification: Uncertain significance. Last evaluated: 2024-05-06. Review status: criteria provided, single submitter. Criteria: Invitae Variant Classification Sherloc (09022015). Collection method: clinical testing. Allele origin: germline.
Comment: This sequence change replaces glycine, which is neutral and non-polar, with serine, which is neutral and polar, at codon 202 of the CARMIL2 protein (p.Gly202Ser). This variant is present in population databases (rs201634531, gnomAD 0.01%). This variant has not been reported in the literature in individuals affected with CARMIL2-related conditions. ClinVar contains an entry for this variant (Variation ID: 1502450). Advanced modeling of protein sequence and biophysical properties (such as structural, functional, and spatial information, amino acid conservation, physicochemical variation, residue mobility, and thermodynamic stability) performed at Invitae indicates that this missense variant is not expected to disrupt CARMIL2 protein function with a negative predictive value of 80%. In summary, the available evidence is currently insufficient to determine the role of this variant in disease. Therefore, it has been classified as a Variant of Uncertain Significance.

NM_001013838.3(CARMIL2):c.604G>A (p.Gly202Ser)

Gene: CARMIL2 (capping protein regulator and myosin 1 linker 2; plus strand). Cytogenetic location: 16q22.1.
Variant type: single nucleotide variant.
Coding change: c.604G>A on transcript NM_001013838.3 (MANE Select); coding-DNA position 604, G replaced by A.
Protein change: p.Gly202Ser; replaces glycine 202 with serine.
Molecular consequence: missense variant.
Genome position (GRCh38, 1-based): chr16:67,646,966, G>A. VCF-style: chr16-67646966-G-A. GRCh37 (hg19) VCF-style: chr16-67680869-G-A.
Other names: c.604G>A, p.Gly202Ser (NM_001317026.3); short protein forms G202S.
Identifiers: ClinVar variation 1502450 (VCV001502450.4), dbSNP rs201634531, ClinGen allele CA8113134.
Genomic context (GRCh38, chr16:67,646,966, plus strand): 5'-GACACCATTTACCATCGCCAGGGCTGCCGCCATTTCAGCCTGGGAGACTTCAGCCACCTC[G>A]GCAGTCGGTGTGTGGCCTGCCAGGATGGGAGAGGAGGAAGATCCCGGGGCCCATATCCCT-3'
Protein context (NP_001013860.1, residues 192-212): HFSLGDFSHL[Gly202Ser]SRDLALSVAA